The following is an entry in ClinVar:

NM_000884.3(IMPDH2):c.263T>C (p.Ile88Thr)

Gene: IMPDH2 (inosine monophosphate dehydrogenase 2; minus strand). Cytogenetic location: 3p21.31.
Variant type: single nucleotide variant.
Coding change: c.263T>C on transcript NM_000884.3 (MANE Select); coding-DNA position 263, T replaced by C.
Protein change: p.Ile88Thr; replaces isoleucine 88 with threonine.
Molecular consequence: missense variant. On other transcripts: intron variant (2).
Genome position (GRCh38, 1-based): chr3:49,028,309, A>G on the plus strand (T>C on the coding strand, the complement: IMPDH2 is on the minus strand). VCF-style: chr3-49028309-A-G. GRCh37 (hg19) VCF-style: chr3-49065742-A-G.
Other names: c.263T>C, p.Ile88Thr (NM_001410759.1); c.249+122T>C (NM_001410761.1, NM_001410760.1); short protein forms I88T.
Identifiers: ClinVar variation 3285976 (VCV003285976.2).

ClinVar aggregate classification (germline): Uncertain significance. Review status: criteria provided, multiple submitters, no conflicts (2 of 4 stars). 2 submissions from 2 submitters: Uncertain significance (2). Last evaluated 2025-03-18.

Submissions (2):

GeneDx
Classification: Uncertain significance. Last evaluated: 2025-03-18. Review status: criteria provided, single submitter. Criteria: GeneDx Variant Classification Process June 2021. Collection method: clinical testing. Allele origin: germline. Affected: yes.
Comment: Not observed at significant frequency in large population cohorts (gnomAD); In silico analysis supports that this missense variant has a deleterious effect on protein structure/function; Has not been previously published as pathogenic or benign to our knowledge

Ambry Genetics
Classification: Uncertain significance. Last evaluated: 2024-05-26. Review status: criteria provided, single submitter. Criteria: Ambry Variant Classification Scheme 2023. Collection method: clinical testing. Allele origin: germline.